The following is an entry in ClinVar:

ClinVar aggregate classification (germline): Uncertain significance (1 of 4 stars; one submission).

gnomAD v4.1: 1 of 1,614,156 alleles (0.000062%); highest among the groups gnomAD compares: Non-Finnish European, 0.000085%; no homozygotes.

Submission:

Labcorp Genetics (formerly Invitae), Labcorp
Classification: Uncertain significance. Last evaluated: 2022-09-27. Review status: criteria provided, single submitter. Criteria: Invitae Variant Classification Sherloc (09022015). Collection method: clinical testing. Allele origin: germline.
Comment: This sequence change replaces arginine, which is basic and polar, with serine, which is neutral and polar, at codon 982 of the REST protein (p.Arg982Ser). This variant is not present in population databases (gnomAD no frequency). This variant has not been reported in the literature in individuals affected with REST-related conditions. Algorithms developed to predict the effect of missense changes on protein structure and function (SIFT, PolyPhen-2, Align-GVGD) all suggest that this variant is likely to be tolerated. In summary, the available evidence is currently insufficient to determine the role of this variant in disease. Therefore, it has been classified as a Variant of Uncertain Significance.

NM_005612.5(REST):c.2944C>A (p.Arg982Ser)

Gene: REST (RE1 silencing transcription factor; plus strand). Cytogenetic location: 4q12.
Variant type: single nucleotide variant.
Coding change: c.2944C>A on transcript NM_005612.5 (MANE Select); coding-DNA position 2944, C replaced by A.
Protein change: p.Arg982Ser; replaces arginine 982 with serine.
Molecular consequence: missense variant.
Genome position (GRCh38, 1-based): chr4:56,931,802, C>A. VCF-style: chr4-56931802-C-A. GRCh37 (hg19) VCF-style: chr4-57797968-C-A.
Other names: c.2944C>A, p.Arg982Ser (NM_001193508.2, NM_001363453.3); short protein forms R982S.
Identifiers: ClinVar variation 1980017 (VCV001980017.4), dbSNP rs200147565, ClinGen allele CA357009868.